The following is an entry in ClinVar:

NM_153240.5(NPHP3):c.99G>C (p.Glu33Asp)

Genes: NPHP3 (nephrocystin 3; minus strand), NPHP3-ACAD11 (NPHP3-ACAD11 readthrough (NMD candidate); minus strand), NPHP3-AS1 (NPHP3 antisense RNA 1; plus strand), LOC129937586 (ATAC-STARR-seq lymphoblastoid silent region 14743; plus strand). Cytogenetic location: 3q22.1.
Variant type: single nucleotide variant.
Coding change: c.99G>C on transcript NM_153240.5 (MANE Select); coding-DNA position 99, G replaced by C.
Protein change: p.Glu33Asp; replaces glutamic acid 33 with aspartic acid.
Molecular consequence: missense variant. On other transcripts: non-coding transcript variant (3).
Genome position (GRCh38, 1-based): chr3:132,722,257, C>G on the plus strand (G>C on the coding strand, the complement: NPHP3 is on the minus strand). VCF-style: chr3-132722257-C-G. GRCh37 (hg19) VCF-style: chr3-132441101-C-G.
Other names: c.99G>C (NM_153240.4); short protein forms E33D.
Identifiers: ClinVar variation 3588589 (VCV003588589.2).

ClinVar aggregate classification (germline): Uncertain significance. Review status: criteria provided, multiple submitters, no conflicts (2 of 4 stars). 2 submissions from 2 submitters: Uncertain significance (2). Last evaluated 2025-03-22.

Conditions:
NPHP3-related disorder. Also called: NPHP3-related condition; NPHP3-related disorders. Identifiers: MedGen CN379163.
Nephronophthisis 3 (NPHP3). Also called: Adolescent nephronophthisis. Identifiers: Orphanet 655, MedGen C1858392, MONDO:0011456, OMIM 604387.
NPHP3-related Meckel-like syndrome. Also called: Meckel syndrome type 7; GOLDSTON SYNDROME. Identifiers: Orphanet 3032, MedGen C2673885, MONDO:0009966, OMIM 267010.
Renal-hepatic-pancreatic dysplasia 1 (RHPD1). Identifiers: MedGen C3715199, MONDO:0008833, OMIM 208540.

Submissions (2):

PreventionGenetics, part of Exact Sciences
Classification: Uncertain significance for NPHP3-related condition. Last evaluated: 2025-03-22. Review status: criteria provided, single submitter. Criteria: ACMG Guidelines, 2015. Collection method: clinical testing. Allele origin: germline.
Comment: The NPHP3 c.99G>C variant is predicted to result in the amino acid substitution p.Glu33Asp. To our knowledge, this variant has not been reported in the literature or in a large population database (gnomAD), indicating this variant is rare. At this time, the clinical significance of this variant is uncertain due to the absence of conclusive functional and genetic evidence.

Fulgent Genetics
Classification: Uncertain significance for Renal-hepatic-pancreatic dysplasia 1; NPHP3-related Meckel-like syndrome; Nephronophthisis 3. Last evaluated: 2024-05-13. Review status: criteria provided, single submitter. Criteria: ACMG Guidelines, 2015. Collection method: clinical testing. Allele origin: germline.